The following is an entry in ClinVar:

NM_003119.4(SPG7):c.1712T>C (p.Val571Ala)

Gene: SPG7 (SPG7 matrix AAA peptidase subunit, paraplegin; plus strand). Cytogenetic location: 16q24.3.
Variant type: single nucleotide variant.
Coding change: c.1712T>C on transcript NM_003119.4 (MANE Select); coding-DNA position 1712, T replaced by C.
Protein change: p.Val571Ala; replaces valine 571 with alanine.
Molecular consequence: missense variant.
Genome position (GRCh38, 1-based): chr16:89,550,542, T>C. VCF-style: chr16-89550542-T-C. GRCh37 (hg19) VCF-style: chr16-89616950-T-C.
Other names: c.1712T>C, p.Val571Ala (NM_001363850.1); short protein forms V571A.
Identifiers: ClinVar variation 1385055 (VCV001385055.6), dbSNP rs2152411078, ClinGen allele CA397430953.

ClinVar aggregate classification (germline): Uncertain significance (1 of 4 stars; one submission).

Conditions:
Hereditary spastic paraplegia 7 (SPG7). Also called: Autosomal recessive spastic paraplegia type 7; SPG7-related neurologic disorder; SPASTIC PARAPLEGIA 7, AUTOSOMAL RECESSIVE, WITH OR WITHOUT CEREBELLAR ATAXIA; Spastic paraplegia 7; Hereditary spastic paraplegia Paraplegin type. Identifiers: Orphanet 99013, MedGen C1846564, MONDO:0011803, OMIM 607259.

Submission:

Labcorp Genetics (formerly Invitae), Labcorp
Classification: Uncertain significance for Hereditary spastic paraplegia 7. Last evaluated: 2021-12-02. Review status: criteria provided, single submitter. Criteria: Invitae Variant Classification Sherloc (09022015). Collection method: clinical testing. Allele origin: germline.
Comment: In summary, the available evidence is currently insufficient to determine the role of this variant in disease. Therefore, it has been classified as a Variant of Uncertain Significance. Advanced modeling of protein sequence and biophysical properties (such as structural, functional, and spatial information, amino acid conservation, physicochemical variation, residue mobility, and thermodynamic stability) performed at Invitae indicates that this missense variant is expected to disrupt SPG7 protein function. This variant is not present in population databases (gnomAD no frequency). This variant has not been reported in the literature in individuals affected with SPG7-related conditions. This sequence change replaces valine, which is neutral and non-polar, with alanine, which is neutral and non-polar, at codon 571 of the SPG7 protein (p.Val571Ala).